The following is an entry in ClinVar:

ClinVar aggregate classification (germline): Likely pathogenic (1 of 4 stars; one submission).

Conditions:
Aortic aneurysm, familial thoracic 6 (AAT6). Also called: FAMILIAL THORACIC AORTIC ANEURYSM WITH LIVEDO RETICULARIS AND IRIS FLOCCULI. Identifiers: MedGen C2673186, MONDO:0012730, OMIM 611788.

Submission:

Labcorp Genetics (formerly Invitae), Labcorp
Classification: Likely pathogenic for Aortic aneurysm, familial thoracic 6. Last evaluated: 2021-04-17. Review status: criteria provided, single submitter. Criteria: Invitae Variant Classification Sherloc (09022015). Collection method: clinical testing. Allele origin: germline.
Comment: Advanced modeling of protein sequence and biophysical properties (such as structural, functional, and spatial information, amino acid conservation, physicochemical variation, residue mobility, and thermodynamic stability) performed at Invitae indicates that this missense variant is expected to disrupt ACTA2 protein function. In summary, the currently available evidence indicates that the variant is pathogenic, but additional data are needed to prove that conclusively. Therefore, this variant has been classified as Likely Pathogenic. This variant has been observed in individual(s) with clinical features of thoracic aortic aneurysm and dissection (Invitae). It has also been observed to segregate with disease in related individuals. ClinVar contains an entry for this variant (Variation ID: 536915). This sequence change replaces serine with proline at codon 16 of the ACTA2 protein (p.Ser16Pro). The serine residue is highly conserved and there is a moderate physicochemical difference between serine and proline. This variant is not present in population databases (ExAC no frequency).

NM_001613.4(ACTA2):c.46T>C (p.Ser16Pro)

Gene: ACTA2 (actin alpha 2, smooth muscle; minus strand). Cytogenetic location: 10q23.31.
Variant type: single nucleotide variant.
Coding change: c.46T>C on transcript NM_001613.4 (MANE Select); coding-DNA position 46, T replaced by C.
Protein change: p.Ser16Pro; replaces serine 16 with proline.
Molecular consequence: missense variant.
Genome position (GRCh38, 1-based): chr10:88,948,885, A>G on the plus strand (T>C on the coding strand, the complement: ACTA2 is on the minus strand). VCF-style: chr10-88948885-A-G. GRCh37 (hg19) VCF-style: chr10-90708642-A-G.
Other names: c.46T>C, p.Ser16Pro (NM_001141945.3, NM_001320855.2, NM_001406462.1 and 7 more transcripts); short protein forms S16P.
Identifiers: ClinVar variation 536915 (VCV000536915.10), dbSNP rs1554841990, ClinGen allele CA377513755.